The following is an entry in ClinVar:

NM_024795.4(TM4SF20):c.512G>A (p.Arg171Lys)

Gene: TM4SF20 (transmembrane 4 L six family member 20; minus strand). Cytogenetic location: 2q36.3.
Variant type: single nucleotide variant.
Coding change: c.512G>A on transcript NM_024795.4 (MANE Select); coding-DNA position 512, G replaced by A.
Protein change: p.Arg171Lys; replaces arginine 171 with lysine.
Molecular consequence: missense variant.
Genome position (GRCh38, 1-based): chr2:227,363,902, C>T on the plus strand (G>A on the coding strand, the complement: TM4SF20 is on the minus strand). VCF-style: chr2-227363902-C-T. GRCh37 (hg19) VCF-style: chr2-228228618-C-T.
Other names: short protein forms R171K.
Identifiers: ClinVar variation 1409496 (VCV001409496.8), dbSNP rs199839744, ClinGen allele CA2148169.
Genomic context (GRCh38, chr2:227,363,902, plus strand): 5'-ACTGAGAAGTGGATAAGCCTATGTTTGTTTTCTTCAGAATCGAAGTGGAAACTAGATGCT[C>T]TCCAGCCACTCGCCATGGTGTCGTTACTGGTGGGTTTATTGAAACCAGTAGGAGGTGCAC-3'
Protein context (NP_079071.2, residues 161-181): TSNDTMASGW[Arg171Lys]ASSFHFDSEE

ClinVar aggregate classification (germline): Uncertain significance (1 of 4 stars; one submission).

Allele frequency attached by ClinVar (database versions not stated): gnomAD exomes 0.00006 and 0.00020; ExAC 0.00007; TOPMed 0.00053; gnomAD 0.00068; 1000 Genomes Project 30x 0.00094; 1000 Genomes Project 0.00100.
gnomAD v4.1: 197 of 1,614,182 alleles (0.012%); highest among the groups gnomAD compares: Admixed American, 0.29%; 4 homozygotes.

Submission:

Labcorp Genetics (formerly Invitae), Labcorp
Classification: Uncertain significance. Last evaluated: 2025-09-09. Review status: criteria provided, single submitter. Criteria: Invitae Variant Classification Sherloc (09022015). Collection method: clinical testing. Allele origin: germline.
Comment: This sequence change replaces arginine, which is basic and polar, with lysine, which is basic and polar, at codon 171 of the TM4SF20 protein (p.Arg171Lys). This variant is present in population databases (rs199839744, gnomAD 0.1%), and has an allele count higher than expected for a pathogenic variant. This variant has not been reported in the literature in individuals affected with TM4SF20-related conditions. ClinVar contains an entry for this variant (Variation ID: 1409496). An algorithm developed to predict the effect of missense changes on protein structure and function outputs the following: PolyPhen-2: "Benign". The lysine amino acid residue is found in multiple mammalian species, which suggests that this missense change does not adversely affect protein function. In summary, the available evidence is currently insufficient to determine the role of this variant in disease. Therefore, it has been classified as a Variant of Uncertain Significance.